The following is an entry in ClinVar:

ClinVar aggregate classification (germline): Likely benign (1 of 4 stars; one submission).

Submission:

CeGaT Center for Human Genetics Tuebingen
Classification: Likely benign. Last evaluated: 2025-02-01. Review status: criteria provided, single submitter. Criteria: CeGaT Center For Human Genetics Tuebingen Variant Classification Criteria Version 2. Collection method: clinical testing. Allele origin: germline. Affected: yes. Observed: 3 variant alleles.
Comment: FOCAD: BP4, BS2

NM_001375567.1(FOCAD):c.4729-5_4729-4insTTTTTTTTTTTTTTTTTTTTTTTTTTTTTTTTTTTTT

Gene: FOCAD (focadhesin; plus strand). Cytogenetic location: 9p21.3.
Variant type: Insertion.
Coding change: c.4729-5_4729-4insTTTTTTTTTTTTTTTTTTTTTTTTTTTTTTTTTTTTT on transcript NM_001375567.1 (MANE Select); 5 bases into the intron before coding-DNA position 4729 through 4 bases into the intron before coding-DNA position 4729, TTTTTTTTTTTTTTTTTTTTTTTTTTTTTTTTTTTTT inserted.
Molecular consequence: intron variant.
Genome position: GRCh38: chr9:20,986,283-20,986,284. GRCh37 (hg19): chr9:20,986,282-20,986,283.
Other names: c.4729-5_4729-4insTTTTTTTTTTTTTTTTTTTTTTTTTTTTTTTTTTTTT (NM_017794.5); c.4624-5_4624-4insTTTTTTTTTTTTTTTTTTTTTTTTTTTTTTTTTTTTT (NM_001375568.1, NM_001375570.1).
Identifiers: ClinVar variation 2659122 (VCV002659122.24), dbSNP rs545976303, ClinGen allele CA1122104624.
Genomic context (GRCh38, chr9:20,986,266, plus strand): 5'-TGTTTTGCCCTTGCCCTGAAATTCTGTAGCTACTTCAGTTAATTTAATAGTAACTAAACA[A>ATTTTTTTTTTTTTTTTTTTTTTTTTTTTTTTTTTTTT]TTTTTTTTTTTTTTTTTGCAGAGCAACATAGAAAAAGCTGCCTTTGTCAAACTGTACTTA-3'